The following is an entry in ClinVar:

NM_007078.3(LDB3):c.1296C>T (p.Ser432=)

Gene: LDB3 (LIM domain binding 3; plus strand). Cytogenetic location: 10q23.2.
Variant type: single nucleotide variant.
Coding change: c.1296C>T on transcript NM_007078.3 (MANE Select); coding-DNA position 1296, C replaced by T.
Protein change: p.Ser432=; no amino-acid change (serine 432 retained).
Molecular consequence: synonymous variant.
Genome position (GRCh38, 1-based): chr10:86,716,391, C>T. VCF-style: chr10-86716391-C-T. GRCh37 (hg19) VCF-style: chr10-88476148-C-T.
Other names: c.1296C>T (LRG_385t1); c.966C>T, p.Ser322= (NM_001080114.2); c.1311C>T, p.Ser437= (NM_001171610.2); c.1107C>T, p.Ser369= (NM_001368064.1, NM_001368065.1); c.1155C>T, p.Ser385= (NM_001368066.1).
Identifiers: ClinVar variation 507341 (VCV000507341.1), dbSNP rs753546855, ClinGen allele CA470374703.

ClinVar aggregate classification (germline): Likely benign (1 of 4 stars; one submission).

Submission:

GeneDx
Classification: Likely benign. Last evaluated: 2018-02-01. Review status: criteria provided, single submitter. Criteria: GeneDx Variant Classification (06012015). Collection method: clinical testing. Allele origin: germline. Affected: yes.
Comment: This variant is considered likely benign or benign based on one or more of the following criteria: it is a conservative change, it occurs at a poorly conserved position in the protein, it is predicted to be benign by multiple in silico algorithms, and/or has population frequency not consistent with disease.